The following is an entry in ClinVar:

NM_024642.5(GALNT12):c.1693G>C (p.Asp565His)

Gene: GALNT12 (polypeptide N-acetylgalactosaminyltransferase 12; plus strand). Cytogenetic location: 9q22.33.
Variant type: single nucleotide variant.
Coding change: c.1693G>C on transcript NM_024642.5 (MANE Select); coding-DNA position 1693, G replaced by C.
Protein change: p.Asp565His; replaces aspartic acid 565 with histidine.
Molecular consequence: missense variant.
Genome position (GRCh38, 1-based): chr9:98,849,039, G>C. VCF-style: chr9-98849039-G-C. GRCh37 (hg19) VCF-style: chr9-101611321-G-C.
Other names: short protein forms D565H.
Identifiers: ClinVar variation 655184 (VCV000655184.8), dbSNP rs1304382362, ClinGen allele CA374223170.

ClinVar aggregate classification (germline): Uncertain significance (1 of 4 stars; one submission).

Allele frequency attached by ClinVar (database versions not stated): gnomAD exomes below 0.00001; TOPMed below 0.00001.

Submission:

Labcorp Genetics (formerly Invitae), Labcorp
Classification: Uncertain significance. Last evaluated: 2018-08-19. Review status: criteria provided, single submitter. Criteria: Invitae Variant Classification Sherloc (09022015). Collection method: clinical testing. Allele origin: germline.
Comment: This sequence change replaces aspartic acid with histidine at codon 565 of the GALNT12 protein (p.Asp565His). The aspartic acid residue is weakly conserved and there is a moderate physicochemical difference between aspartic acid and histidine. In summary, the available evidence is currently insufficient to determine the role of this variant in disease. Therefore, it has been classified as a Variant of Uncertain Significance. Algorithms developed to predict the effect of missense changes on protein structure and function are either unavailable or do not agree on the potential impact of this missense change (SIFT: "Tolerated"; PolyPhen-2: "Possibly Damaging"; Align-GVGD: "Class C0"). This variant has not been reported in the literature in individuals with GALNT12-related disease. This variant is not present in population databases (ExAC no frequency).